The following is an entry in ClinVar:

NC_000018.9:g.(10871414_10911183)_(10911227_10979532)dup

Gene: PIEZO2 (piezo type mechanosensitive ion channel component 2; minus strand). Cytogenetic location: 18p11.22-11.21.
Variant type: Duplication.
Identifiers: ClinVar variation 4887607 (VCV004887607.1).

ClinVar aggregate classification (germline): Likely pathogenic (1 of 4 stars; one submission).

Conditions:
Arthrogryposis, distal, with impaired proprioception and touch (DAIPT). Identifiers: MedGen C4310692, MONDO:0014941, OMIM 617146.

Submission:

Women's Health and Genetics/Laboratory Corporation of America, LabCorp
Classification: Likely pathogenic for Arthrogryposis, distal, with impaired proprioception and touch. Last evaluated: 2026-06-01. Review status: criteria provided, single submitter. Criteria: LabCorp Variant Classification Summary - May 2015. Collection method: clinical testing. Allele origin: germline.
Comment: Variant summary: The variant involves the duplication of exon 4 in the PIEZO2 gene. A presumed nomenclature of c.(286+1_287-1)_(329+1_330-1)dup has been designated for the purposes of this classification. It is assumed to be a tandem duplication in direct orientation (PMIDs: 25640679, 30054569). This Copy Number Variant (CNV) is expected to alter the reading frame and predicted to result in a truncation or absence of the encoded protein due to nonsense mediated decay (NMD). Loss-of-function variants in this gene are known to be pathogenic. The variant was absent in 21608 control chromosomes. To our knowledge, no occurrence of c.(286+1_287-1)_(329+1_330-1)dup in individuals affected with PIEZO2-related conditions and no experimental evidence demonstrating its impact on protein function have been reported. No submitters have cited clinical-significance assessments for this variant to ClinVar. To our knowledge, this variant has not been reported in individuals with autosomal dominant PIEZO2-related conditions. Based on the evidence outlined above, the variant was classified as likely pathogenic for autosomal recessive arthrogryposis.